The following is an entry in ClinVar:

ClinVar aggregate classification (germline): Uncertain significance. Review status: criteria provided, multiple submitters, no conflicts (2 of 4 stars). 3 submissions from 3 submitters: Uncertain significance (3). Last evaluated 2024-11-08.

Conditions:
Emery-Dreifuss muscular dystrophy 5, autosomal dominant (EDMD5). Also called: EMERY-DREIFUSS MUSCULAR DYSTROPHY 5. Identifiers: Orphanet 261, MedGen C2751805, MONDO:0013072, OMIM 612999.

Allele frequency attached by ClinVar (database versions not stated): gnomAD 0.00001; gnomAD exomes 0.00001; TOPMed 0.00003.
gnomAD v4.1: 12 of 1,614,028 alleles (0.00074%); highest among the groups gnomAD compares: African/African-American, 0.004%; no homozygotes.

Submissions (3):

Ambry Genetics
Classification: Uncertain significance. Last evaluated: 2024-11-08. Review status: criteria provided, single submitter. Criteria: Ambry Variant Classification Scheme 2023. Collection method: clinical testing. Allele origin: germline.

Labcorp Genetics (formerly Invitae), Labcorp
Classification: Uncertain significance for Emery-Dreifuss muscular dystrophy 5, autosomal dominant. Last evaluated: 2024-05-23. Review status: criteria provided, single submitter. Criteria: Invitae Variant Classification Sherloc (09022015). Collection method: clinical testing. Allele origin: germline.
Comment: This sequence change replaces glutamic acid, which is acidic and polar, with lysine, which is basic and polar, at codon 4247 of the SYNE2 protein (p.Glu4247Lys). This variant is present in population databases (no rsID available, gnomAD 0.007%). This variant has not been reported in the literature in individuals affected with SYNE2-related conditions. ClinVar contains an entry for this variant (Variation ID: 313579). Algorithms developed to predict the effect of missense changes on protein structure and function output the following: SIFT: "Not Available"; PolyPhen-2: "Benign"; Align-GVGD: "Not Available". The lysine amino acid residue is found in multiple mammalian species, which suggests that this missense change does not adversely affect protein function. In summary, the available evidence is currently insufficient to determine the role of this variant in disease. Therefore, it has been classified as a Variant of Uncertain Significance.

Illumina Laboratory Services, Illumina
Classification: Uncertain significance for Emery-Dreifuss muscular dystrophy 5, autosomal dominant. Last evaluated: 2018-01-13. Review status: criteria provided, single submitter. Criteria: ICSL Variant Classification Criteria 13 December 2019. Collection method: clinical testing. Allele origin: germline.

NM_182914.3(SYNE2):c.12739G>A (p.Glu4247Lys)

Gene: SYNE2 (spectrin repeat containing nuclear envelope protein 2; plus strand). Cytogenetic location: 14q23.2.
Variant type: single nucleotide variant.
Coding change: c.12739G>A on transcript NM_182914.3 (MANE Select); coding-DNA position 12739, G replaced by A.
Protein change: p.Glu4247Lys; replaces glutamic acid 4247 with lysine.
Molecular consequence: missense variant.
Genome position (GRCh38, 1-based): chr14:64,113,470, G>A. VCF-style: chr14-64113470-G-A. GRCh37 (hg19) VCF-style: chr14-64580188-G-A.
Other names: c.12739G>A, p.Glu4247Lys (NM_015180.6); short protein forms E4247K.
Identifiers: ClinVar variation 313579 (VCV000313579.8), dbSNP rs886050590, ClinGen allele CA10645619.